The following is an entry in ClinVar:

NM_173602.3(DIP2B):c.3302C>A (p.Ala1101Asp)

Gene: DIP2B (disco interacting protein 2 homolog B; plus strand). Cytogenetic location: 12q13.12.
Variant type: single nucleotide variant.
Coding change: c.3302C>A on transcript NM_173602.3 (MANE Select); coding-DNA position 3302, C replaced by A.
Protein change: p.Ala1101Asp; replaces alanine 1101 with aspartic acid.
Molecular consequence: missense variant.
Genome position (GRCh38, 1-based): chr12:50,724,788, C>A. VCF-style: chr12-50724788-C-A. GRCh37 (hg19) VCF-style: chr12-51118571-C-A.
Other names: short protein forms A1101D.
Identifiers: ClinVar variation 2629833 (VCV002629833.1), dbSNP rs141470115, ClinGen allele CA236800024.

ClinVar aggregate classification (germline): Uncertain significance (1 of 4 stars; one submission).

Conditions:
DIP2B-related disorder. Also called: DIP2B-related condition.

Allele frequency attached by ClinVar (database versions not stated): ESP Exome Variant Server 0.00008.
gnomAD v4.1: 16 of 1,614,102 alleles (0.00099%); highest among the groups gnomAD compares: Non-Finnish European, 0.0013%; no homozygotes.

Submission:

PreventionGenetics, part of Exact Sciences
Classification: Uncertain significance for DIP2B-related condition. Last evaluated: 2023-02-01. Review status: criteria provided, single submitter. Criteria: ACMG Guidelines, 2015. Collection method: clinical testing. Allele origin: germline.
Comment: The DIP2B c.3302C>A variant is predicted to result in the amino acid substitution p.Ala1101Asp. To our knowledge, this variant has not been reported in the literature or in a large population database, indicating this variant is rare. At this time, the clinical significance of this variant is uncertain due to the absence of conclusive functional and genetic evidence.